The following is an entry in ClinVar:

NM_022124.6(CDH23):c.5291G>T (p.Trp1764Leu)

Gene: CDH23 (cadherin related 23; plus strand). Cytogenetic location: 10q22.1.
Variant type: single nucleotide variant.
Coding change: c.5291G>T on transcript NM_022124.6 (MANE Select); coding-DNA position 5291, G replaced by T.
Protein change: p.Trp1764Leu; replaces tryptophan 1764 with leucine.
Molecular consequence: missense variant.
Genome position (GRCh38, 1-based): chr10:71,779,370, G>T. VCF-style: chr10-71779370-G-T. GRCh37 (hg19) VCF-style: chr10-73539127-G-T.
Other names: short protein forms W1764L.
Identifiers: ClinVar variation 853404 (VCV000853404.9), dbSNP rs1840895417, ClinGen allele CA377142897.

ClinVar aggregate classification (germline): Uncertain significance (1 of 4 stars; one submission).

Allele frequency attached by ClinVar (database versions not stated): gnomAD exomes below 0.00001.
gnomAD v4.1: 1 of 1,613,936 alleles (0.000062%); highest among the groups gnomAD compares: South Asian, 0.0011%; no homozygotes.

Submission:

Labcorp Genetics (formerly Invitae), Labcorp
Classification: Uncertain significance. Last evaluated: 2019-11-23. Review status: criteria provided, single submitter. Criteria: Invitae Variant Classification Sherloc (09022015). Collection method: clinical testing. Allele origin: germline.
Comment: In summary, the available evidence is currently insufficient to determine the role of this variant in disease. Therefore, it has been classified as a Variant of Uncertain Significance. Algorithms developed to predict the effect of missense changes on protein structure and function are either unavailable or do not agree on the potential impact of this missense change (SIFT: "Deleterious"; PolyPhen-2: "Not Available"; Align-GVGD: "Class C55"). This variant has not been reported in the literature in individuals with CDH23-related conditions. This variant is not present in population databases (ExAC no frequency). This sequence change replaces tryptophan with leucine at codon 1764 of the CDH23 protein (p.Trp1764Leu). The tryptophan residue is highly conserved and there is a small physicochemical difference between tryptophan and leucine.